The following is an entry in ClinVar:

ClinVar aggregate classification (germline): Uncertain significance (1 of 4 stars; one submission).

Submission:

Women's Health and Genetics/Laboratory Corporation of America, LabCorp
Classification: Uncertain significance. Last evaluated: 2025-06-12. Review status: criteria provided, single submitter. Criteria: LabCorp Variant Classification Summary - May 2015. Collection method: clinical testing. Allele origin: germline.
Comment: Variant summary: PKD1 c.6545_6598del54 (p.Gln2182_Gly2199del) results in an in-frame deletion that is predicted to remove 18 amino acids from the encoded protein. The variant was absent in 179532 control chromosomes. The available data on variant occurrences in the general population are insufficient to allow any conclusion about variant significance. To our knowledge, no occurrence of c.6545_6598del54 in individuals affected with PKD1-Biallelic Autosomal Recessive Polycystic Kidney Disease and no experimental evidence demonstrating its impact on protein function have been reported. No submitters have cited clinical-significance assessments for this variant to ClinVar. Based on the evidence outlined above, the variant was classified as uncertain significance.

NM_001009944.3(PKD1):c.6545_6598del (p.Gln2182_Gly2199del)

Gene: PKD1 (polycystin 1, transient receptor potential channel interacting; minus strand). Cytogenetic location: 16p13.3.
Variant type: Deletion.
Coding change: c.6545_6598del on transcript NM_001009944.3 (MANE Select); coding-DNA positions 6545 to 6598, 54 bases deleted.
Protein change: p.Gln2182_Gly2199del.
Genome position (GRCh38, 1-based): chr16:2,108,569-2,108,622, 54 bases deleted. GRCh37 (hg19): chr16:2,158,571-2,158,624.
Other names: c.6545_6598del, p.Gln2182_Gly2199del (NM_000296.4); c.6545_6598del54 (NM_001009944.3).
Identifiers: ClinVar variation 3907169 (VCV003907169.1).